The following is an entry in ClinVar:

ClinVar aggregate classification (germline): Uncertain significance (1 of 4 stars; one submission).

Submissions (2):

Women's Health and Genetics/Laboratory Corporation of America, LabCorp
Classification: Uncertain significance. Last evaluated: 2025-10-20. Review status: criteria provided, single submitter. Criteria: LabCorp Variant Classification Summary - May 2015. Collection method: clinical testing. Allele origin: germline.
Comment: Variant summary: COL27A1 c.3718G>C (p.Gly1240Arg) results in a non-conservative amino acid change in the encoded protein sequence. Algorithms developed to predict the effect of missense changes on protein structure and function all suggest that this variant is likely to be disruptive. Consensus agreement among computation tools predict no significant impact on normal splicing. However, these predictions have yet to be confirmed by functional studies. The variant was absent in 251328 control chromosomes. The available data on variant occurrences in the general population are insufficient to allow any conclusion about variant significance. To our knowledge, no occurrence of c.3718G>C in individuals affected with COL27A1-related conditions and no experimental evidence demonstrating its impact on protein function have been reported. No submitters have cited clinical-significance assessments for this variant to ClinVar. Based on the evidence outlined above, the variant was classified as uncertain significance.

Dr. Peter K. Rogan Lab, Western University
No classification provided (evidence only). Condition: Squamous cell carcinoma of the head and neck. Review status: no classification provided. Collection method: in vitro. Allele origin: not applicable. Functional consequence: retained intron. Not counted in ClinVar's aggregate classification.

NM_032888.4(COL27A1):c.3718G>C (p.Gly1240Arg)

Gene: COL27A1 (collagen type XXVII alpha 1 chain; plus strand). Cytogenetic location: 9q32.
Variant type: single nucleotide variant.
Coding change: c.3718G>C on transcript NM_032888.4 (MANE Select); coding-DNA position 3718, G replaced by C.
Protein change: p.Gly1240Arg; replaces glycine 1240 with arginine.
Molecular consequence: missense variant.
Genome position (GRCh38, 1-based): chr9:114,282,277, G>C. VCF-style: chr9-114282277-G-C. GRCh37 (hg19) VCF-style: chr9-117044557-G-C.
Other names: NC_000009.11:g.117044557G>C; short protein forms G1240R.
Identifiers: ClinVar variation 4350948 (VCV004350948.2).